The following is an entry in ClinVar:

NM_031935.3(HMCN1):c.11863C>T (p.Leu3955Phe)

Gene: HMCN1 (hemicentin 1; plus strand). Cytogenetic location: 1q31.1.
Variant type: single nucleotide variant.
Coding change: c.11863C>T on transcript NM_031935.3 (MANE Select); coding-DNA position 11863, C replaced by T.
Protein change: p.Leu3955Phe; replaces leucine 3955 with phenylalanine.
Molecular consequence: missense variant.
Genome position (GRCh38, 1-based): chr1:186,119,205, C>T. VCF-style: chr1-186119205-C-T. GRCh37 (hg19) VCF-style: chr1-186088337-C-T.
Other names: short protein forms L3955F.
Identifiers: ClinVar variation 2766980 (VCV002766980.3), dbSNP rs2528023315, ClinGen allele CA343947222.
Genomic context (GRCh38, chr1:186,119,205, plus strand): 5'-AAAACTGAGATGCAGTATATATTAAAACATTTTTTTTCATTTTTAGGAGCAATTGAAATA[C>T]TTGCCACCCAATTAAACCATGCTGGAAGATACACTTGTGTCGCTAGGAATGCGGCTGGCT-3'
Protein context (NP_114141.2, residues 3945-3965): RILSSGAIEI[Leu3955Phe]ATQLNHAGRY

ClinVar aggregate classification (germline): Uncertain significance (1 of 4 stars; one submission).

Submission:

Labcorp Genetics (formerly Invitae), Labcorp
Classification: Uncertain significance. Last evaluated: 2023-10-20. Review status: criteria provided, single submitter. Criteria: Invitae Variant Classification Sherloc (09022015). Collection method: clinical testing. Allele origin: germline.
Comment: This sequence change replaces leucine, which is neutral and non-polar, with phenylalanine, which is neutral and non-polar, at codon 3955 of the HMCN1 protein (p.Leu3955Phe). This variant is not present in population databases (gnomAD no frequency). This variant has not been reported in the literature in individuals affected with HMCN1-related conditions. Algorithms developed to predict the effect of missense changes on protein structure and function output the following: SIFT: "Not Available"; PolyPhen-2: "Benign"; Align-GVGD: "Not Available". The phenylalanine amino acid residue is found in multiple mammalian species, which suggests that this missense change does not adversely affect protein function. In summary, the available evidence is currently insufficient to determine the role of this variant in disease. Therefore, it has been classified as a Variant of Uncertain Significance.